The following is an entry in ClinVar:

NM_182961.4(SYNE1):c.18659G>T (p.Arg6220Leu)

Gene: SYNE1 (spectrin repeat containing nuclear envelope protein 1; minus strand). Cytogenetic location: 6q25.2.
Variant type: single nucleotide variant.
Coding change: c.18659G>T on transcript NM_182961.4 (MANE Select); coding-DNA position 18659, G replaced by T.
Protein change: p.Arg6220Leu; replaces arginine 6220 with leucine.
Molecular consequence: missense variant.
Genome position (GRCh38, 1-based): chr6:152,269,201, C>A on the plus strand (G>T on the coding strand, the complement: SYNE1 is on the minus strand). VCF-style: chr6-152269201-C-A. GRCh37 (hg19) VCF-style: chr6-152590336-C-A.
Other names: c.18446G>T, p.Arg6149Leu (NM_033071.5); short protein forms R6220L, R6149L.
Identifiers: ClinVar variation 1346813 (VCV001346813.8), dbSNP rs377307244, ClinGen allele CA366092745.
Genomic context (GRCh38, chr6:152,269,201, plus strand): 5'-AGGAAACACTTTACTTTTTGTTGCTGGAGACTGCTCTGCCGCTGCTGGGTCCATGTGGTG[C>A]GAGCTTGGGCCAGCCATTCCTGGACGCCGGGGCTCTGCGTGGCTGTTAGGTCAACATCGC-3'
Protein context (NP_892006.3, residues 6210-6230): PGVQEWLAQA[Arg6220Leu]TTWTQQRQSS

ClinVar aggregate classification (germline): Uncertain significance (1 of 4 stars; one submission).

Conditions:
Autosomal recessive ataxia, Beauce type. Also called: SYNE1-Related Autosomal Recessive Cerebellar Ataxia; SYNE1 Deficiency; Spinocerebellar ataxia, autosomal recessive 8; ATAXIA, RECESSIVE, OF BEAUCE. Identifiers: Orphanet 88644, MedGen C1853116, MONDO:0012549, OMIM 610743.
Emery-Dreifuss muscular dystrophy 4, autosomal dominant (EDMD4). Also called: EMERY-DREIFUSS MUSCULAR DYSTROPHY 4 WITH VARIABLE FEATURES. Identifiers: Orphanet 261, MedGen C2751807, MONDO:0013071, OMIM 612998.

gnomAD v4.1: 1 of 1,614,142 alleles (0.000062%); highest among the groups gnomAD compares: South Asian, 0.0011%; no homozygotes.

Submission:

Labcorp Genetics (formerly Invitae), Labcorp
Classification: Uncertain significance for Emery-Dreifuss muscular dystrophy 4, autosomal dominant; Autosomal recessive ataxia, Beauce type. Last evaluated: 2021-04-19. Review status: criteria provided, single submitter. Criteria: Invitae Variant Classification Sherloc (09022015). Collection method: clinical testing. Allele origin: germline.
Comment: In summary, the available evidence is currently insufficient to determine the role of this variant in disease. Therefore, it has been classified as a Variant of Uncertain Significance. Algorithms developed to predict the effect of missense changes on protein structure and function (SIFT, PolyPhen-2, Align-GVGD) all suggest that this variant is likely to be disruptive, but these predictions have not been confirmed by published functional studies and their clinical significance is uncertain. This variant has not been reported in the literature in individuals with SYNE1-related conditions. This variant is not present in population databases (ExAC no frequency). This sequence change replaces arginine with leucine at codon 6149 of the SYNE1 protein (p.Arg6149Leu). The arginine residue is highly conserved and there is a moderate physicochemical difference between arginine and leucine.